The following is an entry in ClinVar:

ClinVar aggregate classification (germline): Conflicting classifications of pathogenicity. Review status: criteria provided, conflicting classifications (1 of 4 stars). 2 submissions from 2 submitters: Uncertain significance (1); Likely benign (1). Last evaluated 2025-07-18.

Conditions:
Spastic paraplegia. Identifiers: MedGen C0037772, HP:0001258.

Allele frequency attached by ClinVar (database versions not stated): TOPMed below 0.00001; gnomAD exomes 0.00002; ExAC 0.00003.
gnomAD v4.1: 17 of 1,614,144 alleles (0.0011%); highest among the groups gnomAD compares: Admixed American, 0.0067%; no homozygotes.

Submissions (2):

Labcorp Genetics (formerly Invitae), Labcorp
Classification: Likely benign for Spastic paraplegia. Last evaluated: 2025-07-18. Review status: criteria provided, single submitter. Criteria: Invitae Variant Classification Sherloc (09022015). Collection method: clinical testing. Allele origin: germline.

Women's Health and Genetics/Laboratory Corporation of America, LabCorp
Classification: Uncertain significance. Last evaluated: 2022-08-15. Review status: criteria provided, single submitter. Criteria: LabCorp Variant Classification Summary - May 2015. Collection method: clinical testing. Allele origin: germline.
Comment: Variant summary: KIF5A c.1222C>T (p.Arg408Cys) results in a non-conservative amino acid change in the encoded protein sequence. Three of five in-silico tools predict a damaging effect of the variant on protein function. The variant allele was found at a frequency of 1.6e-05 in 250398 control chromosomes (gnomAD). The available data on variant occurrences in the general population are insufficient to allow any conclusion about variant significance. To our knowledge, no occurrence of c.1222C>T in individuals affected with KIF5A-Related Disorders and no experimental evidence demonstrating its impact on protein function have been reported. One clinical diagnostic laboratory has submitted clinical-significance assessments for this variant to ClinVar after 2014 without evidence for independent evaluation and classified the variant as uncertain significance. Based on the evidence outlined above, the variant was classified as uncertain significance.

NM_004984.4(KIF5A):c.1222C>T (p.Arg408Cys)

Gene: KIF5A (kinesin family member 5A; plus strand). Cytogenetic location: 12q13.3.
Variant type: single nucleotide variant.
Coding change: c.1222C>T on transcript NM_004984.4 (MANE Select); coding-DNA position 1222, C replaced by T.
Protein change: p.Arg408Cys; replaces arginine 408 with cysteine.
Molecular consequence: missense variant.
Genome position (GRCh38, 1-based): chr12:57,570,091, C>T. VCF-style: chr12-57570091-C-T. GRCh37 (hg19) VCF-style: chr12-57963874-C-T.
Other names: c.955C>T, p.Arg319Cys (NM_001354705.2); short protein forms R319C, R408C.
Identifiers: ClinVar variation 1376030 (VCV001376030.7), dbSNP rs767181570, ClinGen allele CA6652790.
Genomic context (GRCh38, chr12:57,570,091, plus strand): 5'-GCCCTGGGAGCCGAGCTCTGTGAGGAGACCCCTGTGAATGACAACTCATCCATCGTGGTG[C>T]GCATCGCGCCCGAGGAGCGGCAGAAATACGAGGAGGAGATCCGCCGTCTCTATAAGCAGC-3'
Protein context (NP_004975.2, residues 398-418): PVNDNSSIVV[Arg408Cys]IAPEERQKYE